The following is an entry in ClinVar:

NM_001374736.1(DST):c.12220C>G (p.Gln4074Glu)

Gene: DST (dystonin; minus strand). Cytogenetic location: 6p12.1.
Variant type: single nucleotide variant.
Coding change: c.12220C>G on transcript NM_001374736.1 (MANE Select); coding-DNA position 12220, C replaced by G.
Protein change: p.Gln4074Glu; replaces glutamine 4074 with glutamic acid.
Molecular consequence: missense variant.
Genome position (GRCh38, 1-based): chr6:56,594,169, G>C on the plus strand (C>G on the coding strand, the complement: DST is on the minus strand). VCF-style: chr6-56594169-G-C. GRCh37 (hg19) VCF-style: chr6-56458967-G-C.
Other names: c.5863C>G, p.Gln1955Glu (NM_001144769.5); c.5449C>G, p.Gln1817Glu (NM_001144770.2); c.12220C>G, p.Gln4074Glu (NM_001374722.1); c.11587C>G, p.Gln3863Glu (NM_001374729.1); c.5329C>G, p.Gln1777Glu (NM_001374730.1, NM_183380.4); c.12247C>G, p.Gln4083Glu (NM_001374734.1); c.4351C>G, p.Gln1451Glu (NM_015548.5); short protein forms Q1777E, Q1817E, Q4083E, Q3863E, Q1955E, Q4074E, Q1451E.
Identifiers: ClinVar variation 968379 (VCV000968379.8), dbSNP rs1400251833, ClinGen allele CA364527272.
Genomic context (GRCh38, chr6:56,594,169, plus strand): 5'-GACCCTGTTTCTCAAGCAACACTTGTGCAGACTGAGTGGCTATGATCACTGCTTGGTGCT[G>C]AGAGATGATCTTCTCGTGTTGGGCCTATGTGAAAACAAATTGATCATAATCTTCAAGCAG-3'
Protein context (NP_001361665.1, residues 4064-4084): VKAQHEKIIS[Gln4074Glu]HQAVIIATQS

ClinVar aggregate classification (germline): Uncertain significance (1 of 4 stars; one submission).

Conditions:
Hereditary sensory and autonomic neuropathy type 6. Also called: Neuropathy, hereditary sensory and autonomic, type VI; HSAN VI. Identifiers: Orphanet 314381, MedGen C3539003, MONDO:0013839, OMIM 614653.
Epidermolysis bullosa simplex 3, localized or generalized intermediate, with BP230 deficiency (EBS3). Also called: Epidermolysis bullosa simplex, autosomal recessive 2; Epidermolysis bullosa simplex due to BP230 deficiency. Identifiers: Orphanet 412181, MedGen C3809470, MONDO:0014180, OMIM 615425.

Allele frequency attached by ClinVar (database versions not stated): gnomAD exomes below 0.00001 and 0.00001.
gnomAD v4.1: 1 of 1,539,842 alleles (0.000065%); highest among the groups gnomAD compares: Non-Finnish European, 0.000087%; no homozygotes.

Submission:

Labcorp Genetics (formerly Invitae), Labcorp
Classification: Uncertain significance for Epidermolysis bullosa simplex 3, localized or generalized intermediate, with BP230 deficiency; Hereditary sensory and autonomic neuropathy type 6. Last evaluated: 2019-06-14. Review status: criteria provided, single submitter. Criteria: Invitae Variant Classification Sherloc (09022015). Collection method: clinical testing. Allele origin: germline.
Comment: In summary, the available evidence is currently insufficient to determine the role of this variant in disease. Therefore, it has been classified as a Variant of Uncertain Significance. This sequence change replaces glutamine with glutamic acid at codon 1451 of the DST protein (p.Gln1451Glu). The glutamine residue is highly conserved and there is a small physicochemical difference between glutamine and glutamic acid. The DST gene has multiple clinically relevant transcripts. The p.Gln1451Glu variant occurs in alternate transcript NM_015548.4, which corresponds to c.*21348C>G in NM_001723.5, the primary transcript listed in the Methods. This variant is not present in population databases (ExAC no frequency). This variant has not been reported in the literature in individuals with DST-related conditions. Algorithms developed to predict the effect of missense changes on protein structure and function are either unavailable or do not agree on the potential impact of this missense change (SIFT: "Tolerated"; PolyPhen-2: "Not Available"; Align-GVGD: "Class C0").